The following is an entry in ClinVar:

NM_003722.5(TP63):c.635A>G (p.Gln212Arg)

Gene: TP63 (tumor protein p63; plus strand). Cytogenetic location: 3q28.
Variant type: single nucleotide variant.
Coding change: c.635A>G on transcript NM_003722.5 (MANE Select); coding-DNA position 635, A replaced by G.
Protein change: p.Gln212Arg; replaces glutamine 212 with arginine.
Molecular consequence: missense variant.
Genome position (GRCh38, 1-based): chr3:189,864,287, A>G. VCF-style: chr3-189864287-A-G. GRCh37 (hg19) VCF-style: chr3-189582076-A-G.
Other names: c.635A>G, p.Gln212Arg (NM_001114978.2, NM_001114979.2, NM_001329144.2 and 1 more transcripts); c.353A>G, p.Gln118Arg (NM_001114980.2, NM_001114981.2, NM_001114982.2 and 2 more transcripts); c.98A>G, p.Gln33Arg (NM_001329146.2, NM_001329150.2); c.629A>G, p.Gln210Arg (NM_001329964.2); short protein forms Q118R, Q210R, Q212R, Q33R.
Identifiers: ClinVar variation 3618442 (VCV003618442.1).

ClinVar aggregate classification (germline): Uncertain significance (1 of 4 stars; one submission).

Conditions:
TP63-Related Spectrum Disorders.

Submission:

Labcorp Genetics (formerly Invitae), Labcorp
Classification: Uncertain significance. Last evaluated: 2024-06-03. Review status: criteria provided, single submitter. Criteria: Invitae Variant Classification Sherloc (09022015). Collection method: clinical testing. Allele origin: germline.
Comment: This sequence change replaces glutamine, which is neutral and polar, with arginine, which is basic and polar, at codon 212 of the TP63 protein (p.Gln212Arg). This variant is not present in population databases (gnomAD no frequency). This variant has not been reported in the literature in individuals affected with TP63-related conditions. Advanced modeling of protein sequence and biophysical properties (such as structural, functional, and spatial information, amino acid conservation, physicochemical variation, residue mobility, and thermodynamic stability) performed at Invitae indicates that this missense variant is expected to disrupt TP63 protein function with a positive predictive value of 80%. In summary, the available evidence is currently insufficient to determine the role of this variant in disease. Therefore, it has been classified as a Variant of Uncertain Significance.